The following is an entry in ClinVar:

NM_015100.4(POGZ):c.2677A>T (p.Thr893Ser)

Gene: POGZ (pogo transposable element derived with ZNF domain; minus strand). Cytogenetic location: 1q21.3.
Variant type: single nucleotide variant.
Coding change: c.2677A>T on transcript NM_015100.4 (MANE Select); coding-DNA position 2677, A replaced by T.
Protein change: p.Thr893Ser; replaces threonine 893 with serine.
Molecular consequence: missense variant.
Genome position (GRCh38, 1-based): chr1:151,406,358, T>A on the plus strand (A>T on the coding strand, the complement: POGZ is on the minus strand). VCF-style: chr1-151406358-T-A. GRCh37 (hg19) VCF-style: chr1-151378834-T-A.
Other names: c.2650A>T, p.Thr884Ser (NM_001194937.2); c.2491A>T, p.Thr831Ser (NM_001194938.2); c.2698A>T, p.Thr900Ser (NM_001410860.1); c.2392A>T, p.Thr798Ser (NM_145796.4); c.2518A>T, p.Thr840Ser (NM_207171.2); short protein forms T798S, T884S, T900S, T893S, T831S, T840S.
Identifiers: ClinVar variation 5026960 (VCV005026960.1).
Genomic context (GRCh38, chr1:151,406,358, plus strand): 5'-AGGCTGGTGATGGGAGTGCTGGGGCTAAGGGAGTTAGTAGCTCTTCAGGCTCAGCTGGGG[T>A]GGCCCCCGCAGATTTCACAGTGGCAGCTTTGTTAGTGGGGAAGGAAGGAGGAGGGTACAT-3'
Protein context (NP_055915.2, residues 883-903): KAATVKSAGA[Thr893Ser]PAEPEELLTP

ClinVar aggregate classification (germline): Uncertain significance (1 of 4 stars; one submission).

Conditions:
Inborn genetic diseases. Identifiers: MedGen C0950123, MeSH D030342.

gnomAD v4.1: 3 of 1,597,210 alleles (0.00019%); highest among the groups gnomAD compares: Admixed American, 0.0035%; no homozygotes.

Submission:

Ambry Genetics
Classification: Uncertain significance for Inborn genetic diseases. Last evaluated: 2026-07-14. Review status: criteria provided, single submitter. Criteria: Ambry Variant Classification Scheme 2023. Collection method: clinical testing. Allele origin: germline.
Comment: The c.2677A>T (p.T893S) alteration is located in exon 19 (coding exon 18) of the POGZ gene. This alteration results from a A to T substitution at nucleotide position 2677, causing the threonine (T) at amino acid position 893 to be replaced by a serine (S). Based on data from gnomAD, the T allele has an overall frequency of <0.001% (1/235060) total alleles studied. The highest observed frequency was 0.003% (1/31678) of Latino alleles. Based on insufficient or conflicting evidence, the clinical significance of this alteration remains unclear.